The following is an entry in ClinVar:

NM_001370595.2(COA8):c.192C>T (p.Asn64=)

Gene: COA8 (cytochrome c oxidase assembly factor 8; plus strand). Cytogenetic location: 14q32.33.
Variant type: single nucleotide variant.
Coding change: c.192C>T on transcript NM_001370595.2 (MANE Select); coding-DNA position 192, C replaced by T.
Protein change: p.Asn64=; no amino-acid change (asparagine 64 retained).
Molecular consequence: synonymous variant. On other transcripts: non-coding transcript variant (2).
Genome position (GRCh38, 1-based): chr14:103,571,691, C>T. VCF-style: chr14-103571691-C-T. GRCh37 (hg19) VCF-style: chr14-104038028-C-T.
Other names: c.231C>T (NM_032374.4); c.192C>T, p.Asn64= (NM_001302653.2, NM_001302654.2).
Identifiers: ClinVar variation 746625 (VCV000746625.28), dbSNP rs200801272, ClinGen allele CA7365472.

ClinVar aggregate classification (germline): Conflicting classifications of pathogenicity. Review status: criteria provided, conflicting classifications (1 of 4 stars). 4 submissions from 4 submitters: Uncertain significance (1); Likely benign (3). Last evaluated 2026-01-24.

Allele frequency attached by ClinVar (database versions not stated): 1000 Genomes Project 30x 0.00016; 1000 Genomes Project 0.00020; ExAC 0.00038; ESP Exome Variant Server 0.00038; gnomAD exomes 0.00039 and 0.00053; TOPMed 0.00045; gnomAD 0.00047.
gnomAD v4.1: 849 of 1,614,182 alleles (0.053%); highest among the groups gnomAD compares: Middle Eastern, 0.16%; 2 homozygotes.

Submissions (4):

Labcorp Genetics (formerly Invitae), Labcorp
Classification: Likely benign. Last evaluated: 2026-01-24. Review status: criteria provided, single submitter. Criteria: Invitae Variant Classification Sherloc (09022015). Collection method: clinical testing. Allele origin: germline.

GeneDx
Classification: Uncertain significance. Last evaluated: 2025-08-21. Review status: criteria provided, single submitter. Criteria: GeneDx Variant Classification Process June 2021. Collection method: clinical testing. Allele origin: germline. Affected: yes.
Comment: In silico analysis suggests that this variant does not alter splicing; Has not been previously published as pathogenic or benign to our knowledge

Blueprint Genetics
Classification: Likely benign. Last evaluated: 2024-11-26. Review status: criteria provided, single submitter. Criteria: ACMG Guidelines, 2015. Collection method: clinical testing. Allele origin: germline.

CeGaT Center for Human Genetics Tuebingen
Classification: Likely benign. Last evaluated: 2024-09-01. Review status: criteria provided, single submitter. Criteria: CeGaT Center For Human Genetics Tuebingen Variant Classification Criteria Version 2. Collection method: clinical testing. Allele origin: germline. Affected: yes. Observed: 1 variant allele.
Comment: COA8: BP4, BP7